The following is an entry in ClinVar:

ClinVar aggregate classification (germline): Conflicting classifications of pathogenicity. Review status: criteria provided, conflicting classifications (1 of 4 stars). 2 submissions from 2 submitters: Uncertain significance (1); Benign (1). Last evaluated 2026-02-16.

Conditions:
Cardiovascular phenotype. Identifiers: MedGen CN230736.
Long QT syndrome (LQTS). Identifiers: MedGen C0023976, MeSH D008133, MONDO:0002442. Disease mechanism: loss of function. Inheritance: Various modes of inheritance.

Allele frequency attached by ClinVar (database versions not stated): ExAC 0.00002; gnomAD 0.00004 and 0.00005; TOPMed 0.00004; gnomAD exomes 0.00005 and 0.00010.
gnomAD v4.1: 154 of 1,613,958 alleles (0.0095%); highest among the groups gnomAD compares: South Asian, 0.012%; no homozygotes.

Submissions (2):

Ambry Genetics
Classification: Benign for Cardiovascular phenotype. Last evaluated: 2026-02-16. Review status: criteria provided, single submitter. Criteria: Ambry Variant Classification Scheme 2023. Collection method: clinical testing. Allele origin: germline.

Labcorp Genetics (formerly Invitae), Labcorp
Classification: Uncertain significance for Long QT syndrome. Last evaluated: 2023-04-28. Review status: criteria provided, single submitter. Criteria: Invitae Variant Classification Sherloc (09022015). Collection method: clinical testing. Allele origin: germline.
Comment: In summary, the available evidence is currently insufficient to determine the role of this variant in disease. Therefore, it has been classified as a Variant of Uncertain Significance. An algorithm developed to predict the effect of missense changes on protein structure and function (PolyPhen-2) suggests that this variant is likely to be disruptive. ClinVar contains an entry for this variant (Variation ID: 1400966). This variant has not been reported in the literature in individuals affected with AKAP9-related conditions. This variant is present in population databases (rs749484399, gnomAD 0.01%). This sequence change replaces arginine, which is basic and polar, with glutamine, which is neutral and polar, at codon 3023 of the AKAP9 protein (p.Arg3023Gln).

NM_005751.5(AKAP9):c.9068G>A (p.Arg3023Gln)

Gene: AKAP9 (A-kinase anchoring protein 9; plus strand). Cytogenetic location: 7q21.2.
Variant type: single nucleotide variant.
Coding change: c.9068G>A on transcript NM_005751.5 (MANE Select); coding-DNA position 9068, G replaced by A.
Protein change: p.Arg3023Gln; replaces arginine 3023 with glutamine.
Molecular consequence: missense variant.
Genome position (GRCh38, 1-based): chr7:92,086,271, G>A. VCF-style: chr7-92086271-G-A. GRCh37 (hg19) VCF-style: chr7-91715585-G-A.
Other names: c.9068G>A (NM_005751.4); c.3713G>A, p.Arg1238Gln (NM_001379277.1); c.9044G>A, p.Arg3015Gln (NM_147185.3); short protein forms R1238Q, R3023Q, R3015Q.
Identifiers: ClinVar variation 1400966 (VCV001400966.9), dbSNP rs749484399, ClinGen allele CA4337654.